The following is an entry in ClinVar:

NM_021120.4(DLG3):c.1462dup (p.Ser488fs)

Gene: DLG3 (discs large MAGUK scaffold protein 3; plus strand). Cytogenetic location: Xq13.1.
Variant type: Duplication.
Coding change: c.1462dup on transcript NM_021120.4 (MANE Select); coding-DNA position 1462, one base duplicated (A; older notation c.1462dupA).
Protein change: p.Ser488fs; shifts the reading frame from serine 488.
Molecular consequence: frameshift variant.
Genome position (GRCh38, 1-based): chrX:70,479,206, A duplicated. VCF-style (leftmost placement, unchanged base first): chrX-70479205-C-CA. GRCh37 (hg19) VCF-style: chrX-69699055-C-CA.
Other names: c.13dup, p.Ser5fs (NM_001166278.2); c.451dup, p.Ser151fs (NM_020730.3); short protein forms S151fs, S488fs, S5fs.
Identifiers: ClinVar variation 3770158 (VCV003770158.1).
Genomic context (GRCh38, chrX:70,479,205, plus strand): 5'-GACAGAATACAGTCGCTTTGAATCGAAGATACATGACTTACGAGAACAAATGATGAACAG[C>CA]AGCATGAGCTCTGGGTCTGGGTCCCTCCGAACAAGTGAAAAGAGGTCCTTGTATGTCAGG-3'

ClinVar aggregate classification (germline): Likely pathogenic (1 of 4 stars; one submission).

Conditions:
Intellectual developmental disorder, X-linked 90. Also called: DLG3-Related X-Linked Nonsyndromic Mental Retardation; Intellectual disability, X-linked 90. Identifiers: Orphanet 777, MedGen C3275443, MONDO:0010452, OMIM 300850.

Submission:

Equipe Genetique des Anomalies du Developpement, Université de Bourgogne
Classification: Likely pathogenic for Intellectual developmental disorder, X-linked 90. Last evaluated: 2025-01-31. Review status: criteria provided, single submitter. Criteria: ACMG Guidelines, 2015. Collection method: clinical testing. Allele origin: germline. Affected: yes.
Comment: This variant is a duplication predicted to result in a premature stop codon at position 501 and likely results in an absent protein product. It is present in a hemizygous state. Hemizygous pathogenic variants in DLG3 are reported in an autosomal dominant intellectual disability (OMIM #300850). This variant is not present in population database gnomAD (v4.1.0). It has not been reported in ClinVar and in the literature. Based on these evidences, the variant was classified as likely pathogenic.